The following is an entry in ClinVar:

ClinVar aggregate classification (germline): Pathogenic. Review status: criteria provided, multiple submitters, no conflicts (2 of 4 stars). 5 submissions from 5 submitters: Pathogenic (5). Last evaluated 2025-03-25.

Conditions:
Succinate-semialdehyde dehydrogenase deficiency (SSADHD). Also called: Succinic Semialdehyde Dehydrogenase Deficiency; 4-HYDROXYBUTYRIC ACIDURIA; GABA METABOLIC DEFECT; SSADH DEFICIENCY. Identifiers: Orphanet 22, MedGen C0268631, MONDO:0010083, OMIM 271980.
Inborn genetic diseases. Identifiers: MedGen C0950123, MeSH D030342.

Allele frequency attached by ClinVar (database versions not stated): TOPMed 0.00001; ExAC 0.00008; gnomAD exomes 0.00001 and 0.00006.

Submissions (5):

Ambry Genetics
Classification: Pathogenic for Inborn genetic diseases. Last evaluated: 2025-03-25. Review status: criteria provided, single submitter. Criteria: Ambry Variant Classification Scheme 2023. Collection method: clinical testing. Allele origin: germline.
Comment: The c.819delT (p.D274Ifs*27) alteration, located in exon 5 (coding exon 5) of the ALDH5A1 gene, consists of a deletion of one nucleotide at position 819, causing a translational frameshift with a predicted alternate stop codon after 27 amino acids. This alteration is expected to result in loss of function by premature protein truncation or nonsense-mediated mRNA decay. Based on data from gnomAD, this variant has an overall frequency of 0.006% (14/251472) total alleles studied. The highest observed frequency was 0.041% (14/34592) of Admixed American alleles. This variant has been identified in conjunction with other ALDH5A1 variant(s) in individual(s) with features consistent with succinic semialdehyde dehydrogenase deficiency (Schreiber, 2021). Based on the available evidence, this alteration is classified as pathogenic.

Labcorp Genetics (formerly Invitae), Labcorp
Classification: Pathogenic for Succinate-semialdehyde dehydrogenase deficiency. Last evaluated: 2024-12-31. Review status: criteria provided, single submitter. Criteria: Invitae Variant Classification Sherloc (09022015). Collection method: clinical testing. Allele origin: germline.
Comment: This sequence change creates a premature translational stop signal (p.Asp274Ilefs*27) in the ALDH5A1 gene. It is expected to result in an absent or disrupted protein product. Loss-of-function variants in ALDH5A1 are known to be pathogenic (PMID: 14635103). This variant is present in population databases (rs778127154, gnomAD 0.04%). This variant has not been reported in the literature in individuals affected with ALDH5A1-related conditions. ClinVar contains an entry for this variant (Variation ID: 521941). For these reasons, this variant has been classified as Pathogenic.

3billion
Classification: Pathogenic for Succinate-semialdehyde dehydrogenase deficiency. Last evaluated: 2024-02-15. Review status: criteria provided, single submitter. Criteria: ACMG Guidelines, 2015. Collection method: clinical testing. Allele origin: germline. Affected: yes.
Comment: The variant is observed at an extremely low frequency in the gnomAD v2.1.1 dataset (total allele frequency: 0.006%). Predicted Consequence/Location: Frameshift: predicted to result in a loss or disruption of normal protein function through nonsense-mediated decay (NMD) or protein truncation. Multiple pathogenic variants are reported downstream of the variant. The variant has been reported at least twice as pathogenic with clinical assertions and evidence for the classification (ClinVar ID: VCV000521941 /PMID: 31440721). Therefore, this variant is classified as Pathogenic according to the recommendation of ACMG/AMP guideline.

GeneDx
Classification: Pathogenic. Last evaluated: 2023-06-02. Review status: criteria provided, single submitter. Criteria: GeneDx Variant Classification Process June 2021. Collection method: clinical testing. Allele origin: germline.
Comment: Reported in an individual with epilepsy, however it is unknown if a second ALDH5A1 variant was also identified (PMID: 31440721); Observed with a second variant in the ALDH5A1 gene in a patient with SSADH-deficiency in published literature; however, segregation information was not provided (PMID: 34015244); Frameshift variant predicted to result in protein truncation or nonsense mediated decay in a gene for which loss of function is a known mechanism of disease; Not observed at significant frequency in large population cohorts (gnomAD); This variant is associated with the following publications: (PMID: 14635103, 34882073, 34015244, 31440721)

Elsea Laboratory, Baylor College of Medicine
Classification: Pathogenic for Succinate-semialdehyde dehydrogenase deficiency. Last evaluated: 2021-03-08. Review status: criteria provided, single submitter. Criteria: Martin et al. (J Child Neurol. 2021). Collection method: curation. Allele origin: germline. Affected: yes.

Literature cited by the submitters: PubMed 28628100 (cited by Ambry Genetics); PubMed 34015244 (cited by Ambry Genetics); PubMed 36413997 (cited by Ambry Genetics); PubMed 14635103 (cited by Labcorp Genetics (formerly Invitae), Labcorp); PubMed 31440721 (cited by 3billion).

NM_001080.3(ALDH5A1):c.819del (p.Asp274fs)

Gene: ALDH5A1 (aldehyde dehydrogenase 5 family member A1; plus strand). Cytogenetic location: 6p22.3.
Variant type: Deletion.
Coding change: c.819del on transcript NM_001080.3 (MANE Select); coding-DNA position 819, one base deleted (T; older notation c.819delT).
Protein change: p.Asp274fs; shifts the reading frame from aspartic acid 274.
Molecular consequence: frameshift variant. On other transcripts: intron variant (1).
Genome position (GRCh38, 1-based): chr6:24,515,259, T deleted. VCF-style (leftmost placement, unchanged base first): chr6-24515258-CT-C. GRCh37 (hg19) VCF-style: chr6-24515486-CT-C.
Other names: c.858del, p.Asp287fs (NM_170740.1); c.727-5142del (NM_001368954.1); c.819delT (NM_001080.3); short protein forms D274fs, D287fs.
Identifiers: ClinVar variation 521941 (VCV000521941.15), dbSNP rs778127154, ClinGen allele CA3656762.
Genomic context (GRCh38, chr6:24,515,258, plus strand): 5'-TATACAATGTTATTCCCTGTTCTCGAAAGAATGCCAAGGAAGTAGGGGAGGCAATTTGTA[CT>C]GATCCTCTGGTGTCCAAAATTTCCTTTACTGGTTCAACAACTACAGGAAAGGTATGTGAC-3'